The following is an entry in ClinVar:

NM_000642.3(AGL):c.3436G>A (p.Ala1146Thr)

Gene: AGL (amylo-alpha-1,6-glucosidase and 4-alpha-glucanotransferase; plus strand). Cytogenetic location: 1p21.2.
Variant type: single nucleotide variant.
Coding change: c.3436G>A on transcript NM_000642.3 (MANE Select); coding-DNA position 3436, G replaced by A.
Protein change: p.Ala1146Thr; replaces alanine 1146 with threonine.
Molecular consequence: missense variant.
Genome position (GRCh38, 1-based): chr1:99,900,709, G>A. VCF-style: chr1-99900709-G-A. GRCh37 (hg19) VCF-style: chr1-100366265-G-A.
Other names: c.3436G>A, p.Ala1146Thr (NM_000028.3, NM_000643.3, NM_000644.3 and 1 more transcripts); c.3388G>A, p.Ala1130Thr (NM_000646.3); c.3415G>A, p.Ala1139Thr (NM_001425326.1); c.3235G>A, p.Ala1079Thr (NM_001425327.1); c.3232G>A, p.Ala1078Thr (NM_001425328.1); c.3097G>A, p.Ala1033Thr (NM_001425329.1); c.3058G>A, p.Ala1020Thr (NM_001425332.1); short protein forms A1146T, A1130T, A1020T, A1033T, A1078T, A1079T, A1139T.
Identifiers: ClinVar variation 2140900 (VCV002140900.1), dbSNP rs771430830, ClinGen allele CA967080.
Genomic context (GRCh38, chr1:99,900,709, plus strand): 5'-GCATTTGCGGGTACCCTGAGGCATGGTCTCATTCCTAATCTACTGGGTGAAGGAATTTAT[G>A]CCAGATACAATTGTCGGGATGCTGTGTGGTGGTGGCTGCAGTGTATCCAGGATTACTGTA-3'
Protein context (NP_000633.2, residues 1136-1156): IPNLLGEGIY[Ala1146Thr]RYNCRDAVWW

ClinVar aggregate classification (germline): Uncertain significance (1 of 4 stars; one submission).

Conditions:
Glycogen storage disease type III (GSD3). Also called: Cori disease; FORBES DISEASE. Identifiers: Orphanet 366, MedGen C0017922, MONDO:0009291, OMIM 232400.

Allele frequency attached by ClinVar (database versions not stated): gnomAD 0.00001; gnomAD exomes 0.00002; ExAC 0.00004.
gnomAD v4.1: 24 of 1,614,068 alleles (0.0015%); highest among the groups gnomAD compares: South Asian, 0.025%; no homozygotes.

Submission:

Labcorp Genetics (formerly Invitae), Labcorp
Classification: Uncertain significance for Glycogen storage disease type III. Last evaluated: 2022-07-29. Review status: criteria provided, single submitter. Criteria: Invitae Variant Classification Sherloc (09022015). Collection method: clinical testing. Allele origin: germline.
Comment: This sequence change replaces alanine, which is neutral and non-polar, with threonine, which is neutral and polar, at codon 1146 of the AGL protein (p.Ala1146Thr). This variant is present in population databases (rs771430830, gnomAD 0.02%). This variant has not been reported in the literature in individuals affected with AGL-related conditions. Algorithms developed to predict the effect of missense changes on protein structure and function are either unavailable or do not agree on the potential impact of this missense change (SIFT: "Tolerated"; PolyPhen-2: "Probably Damaging"; Align-GVGD: "Class C0"). In summary, the available evidence is currently insufficient to determine the role of this variant in disease. Therefore, it has been classified as a Variant of Uncertain Significance.